The following is an entry in ClinVar:

ClinVar aggregate classification (germline): Benign. Review status: criteria provided, multiple submitters, no conflicts (2 of 4 stars). 2 submissions from 2 submitters: Benign (2). Last evaluated 2018-06-16.

Allele frequency attached by ClinVar (database versions not stated): gnomAD exomes 0.00219 and 0.00789; gnomAD 0.00231 and 0.00311; TOPMed 0.00762; ExAC 0.00880; 1000 Genomes Project 30x 0.01707; 1000 Genomes Project 0.01828.
gnomAD v4.1: 2,838 of 1,173,096 alleles (0.24%); highest among the groups gnomAD compares: East Asian, 7.3%; 73 homozygotes.

Submissions (2):

GeneDx
Classification: Benign. Last evaluated: 2018-06-16. Review status: criteria provided, single submitter. Criteria: GeneDx Variant Classification (06012015). Collection method: clinical testing. Allele origin: germline. Affected: yes.
Comment: This variant is considered likely benign or benign based on one or more of the following criteria: it is a conservative change, it occurs at a poorly conserved position in the protein, it is predicted to be benign by multiple in silico algorithms, and/or has population frequency not consistent with disease.

Breakthrough Genomics
Classification: Benign. Review status: criteria provided, single submitter. Criteria: ACMG Guidelines, 2015. Collection method: not provided. Allele origin: germline. Inheritance: X-linked inheritance. Affected: yes.

NM_004006.3(DMD):c.5326-22G>T

Gene: DMD (dystrophin; minus strand). Cytogenetic location: Xp21.1.
Variant type: single nucleotide variant.
Coding change: c.5326-22G>T on transcript NM_004006.3 (MANE Select); 22 bases into the intron before coding-DNA position 5326, G replaced by T.
Molecular consequence: intron variant.
Genome position (GRCh38, 1-based): chrX:32,348,550, C>A on the plus strand (G>T on the coding strand, the complement: DMD is on the minus strand). VCF-style: chrX-32348550-C-A. GRCh37 (hg19) VCF-style: chrX-32366667-C-A.
Other names: c.5302-22G>T (NM_000109.4); c.1303-22G>T (NM_004011.4); c.1294-22G>T (NM_004012.4); c.5314-22G>T (NM_004009.3); c.4957-22G>T (NM_004010.3).
Identifiers: ClinVar variation 676020 (VCV000676020.2), dbSNP rs72468627, ClinGen allele CA147832.